The following is an entry in ClinVar:

NM_014516.4(CNOT3):c.1636A>G (p.Met546Val)

Gene: CNOT3 (CCR4-NOT transcription complex subunit 3; plus strand). Cytogenetic location: 19q13.42.
Variant type: single nucleotide variant.
Coding change: c.1636A>G on transcript NM_014516.4 (MANE Select); coding-DNA position 1636, A replaced by G.
Protein change: p.Met546Val; replaces methionine 546 with valine.
Molecular consequence: missense variant.
Genome position (GRCh38, 1-based): chr19:54,152,256, A>G. VCF-style: chr19-54152256-A-G. GRCh37 (hg19) VCF-style: chr19-54655993-A-G.
Other names: short protein forms M546V.
Identifiers: ClinVar variation 1029281 (VCV001029281.3), dbSNP rs2075160534, ClinGen allele CA407767830.

ClinVar aggregate classification (germline): Uncertain significance. Review status: criteria provided, multiple submitters, no conflicts (2 of 4 stars). 2 submissions from 2 submitters: Uncertain significance (2). Last evaluated 2022-05-02.

Conditions:
Intellectual developmental disorder with speech delay, autism, and dysmorphic facies. Identifiers: MedGen C5231456, MONDO:0032864, OMIM 618672.

gnomAD v4.1: 1 of 1,614,154 alleles (0.000062%); no homozygotes.

Submissions (2):

GeneDx
Classification: Uncertain significance. Last evaluated: 2022-05-02. Review status: criteria provided, single submitter. Criteria: GeneDx Variant Classification Process June 2021. Collection method: clinical testing. Allele origin: germline. Affected: yes.
Comment: Not observed at significant frequency in large population cohorts (gnomAD); In silico analysis supports that this missense variant does not alter protein structure/function; Has not been previously published as pathogenic or benign to our knowledge

Baylor Genetics
Classification: Uncertain significance for Intellectual developmental disorder with speech delay, autism, and dysmorphic facies. Last evaluated: 2020-05-05. Review status: criteria provided, single submitter. Criteria: ACMG Guidelines, 2015. Collection method: clinical testing. Allele origin: unknown. Affected: yes.
Comment: This variant was determined to be of uncertain significance according to ACMG Guidelines, 2015 [PMID:25741868].